The following is an entry in ClinVar:

ClinVar aggregate classification (germline): Uncertain significance (1 of 4 stars; one submission).

Conditions:
Cardiovascular phenotype. Identifiers: MedGen CN230736.

Allele frequency attached by ClinVar (database versions not stated): gnomAD exomes 0.00001; gnomAD 0.00002; TOPMed 0.00003; ExAC 0.00005.
gnomAD v4.1: 16 of 1,607,224 alleles (0.001%); highest among the groups gnomAD compares: Middle Eastern, 0.016%; no homozygotes.

Submission:

Ambry Genetics
Classification: Uncertain significance for Cardiovascular phenotype. Last evaluated: 2024-02-25. Review status: criteria provided, single submitter. Criteria: Ambry Variant Classification Scheme 2023. Collection method: clinical testing. Allele origin: germline.
Comment: The p.P1302H variant (also known as c.3905C>A), located in coding exon 9 of the TNXB gene, results from a C to A substitution at nucleotide position 3905. The proline at codon 1302 is replaced by histidine, an amino acid with similar properties. This amino acid position is well conserved in available vertebrate species. In addition, this alteration is predicted to be tolerated by in silico analysis. Since supporting evidence is limited at this time, the clinical significance of this alteration remains unclear.

NM_001365276.2(TNXB):c.3905C>A (p.Pro1302His)

Gene: TNXB (tenascin XB; minus strand). Cytogenetic location: 6p21.33.
Variant type: single nucleotide variant.
Coding change: c.3905C>A on transcript NM_001365276.2 (MANE Select); coding-DNA position 3905, C replaced by A.
Protein change: p.Pro1302His; replaces proline 1302 with histidine.
Molecular consequence: missense variant.
Genome position (GRCh38, 1-based): chr6:32,081,505, G>T on the plus strand (C>A on the coding strand, the complement: TNXB is on the minus strand). VCF-style: chr6-32081505-G-T. GRCh37 (hg19) VCF-style: chr6-32049282-G-T.
Other names: c.3905C>A, p.Pro1302His (NM_019105.8); short protein forms P1302H.
Identifiers: ClinVar variation 1736054 (VCV001736054.2), dbSNP rs761823492, ClinGen allele CA3735085.